The following is an entry in ClinVar:

ClinVar aggregate classification (germline): Uncertain significance (1 of 4 stars; one submission).

Submission:

GeneDx
Classification: Uncertain significance. Last evaluated: 2023-05-12. Review status: criteria provided, single submitter. Criteria: GeneDx Variant Classification Process June 2021. Collection method: clinical testing. Allele origin: germline. Affected: yes.
Comment: Not observed at significant frequency in large population cohorts (gnomAD); In silico analysis supports that this missense variant has a deleterious effect on protein structure/function; Has not been previously published as pathogenic or benign to our knowledge

NM_194277.3(FRMD7):c.17T>G (p.Val6Gly)

Gene: FRMD7 (FERM domain containing 7; minus strand). Cytogenetic location: Xq26.2.
Variant type: single nucleotide variant.
Coding change: c.17T>G on transcript NM_194277.3 (MANE Select); coding-DNA position 17, T replaced by G.
Protein change: p.Val6Gly; replaces valine 6 with glycine.
Molecular consequence: missense variant.
Genome position (GRCh38, 1-based): chrX:132,127,828, A>C on the plus strand (T>G on the coding strand, the complement: FRMD7 is on the minus strand). VCF-style: chrX-132127828-A-C. GRCh37 (hg19) VCF-style: chrX-131261856-A-C.
Other names: c.17T>G, p.Val6Gly (NM_001306193.2); short protein forms V6G.
Identifiers: ClinVar variation 2662320 (VCV002662320.1), dbSNP rs2520939297, ClinGen allele CA414677238.